The following is an entry in ClinVar:

NM_001127178.3(PIGG):c.47A>C (p.Glu16Ala)

Gene: PIGG (phosphatidylinositol glycan anchor biosynthesis class G (EMM blood group); plus strand). Cytogenetic location: 4p16.3.
Variant type: single nucleotide variant.
Coding change: c.47A>C on transcript NM_001127178.3 (MANE Select); coding-DNA position 47, A replaced by C.
Protein change: p.Glu16Ala; replaces glutamic acid 16 with alanine.
Molecular consequence: missense variant. On other transcripts: 5 prime UTR variant (9), non-coding transcript variant (10), intron variant (1).
Genome position (GRCh38, 1-based): chr4:499,382, A>C. VCF-style: chr4-499382-A-C. GRCh37 (hg19) VCF-style: chr4-493171-A-C.
Other names: c.47A>C, p.Glu16Ala (NM_001289052.2, NM_001345989.2, NM_017733.5); c.-779A>C (NM_001289053.2); c.-390A>C (NM_001289055.2); c.-457A>C (NM_001289057.2, NM_001345986.2, NM_001345987.2); c.-1077A>C (NM_001345988.2); c.-1579A>C (NM_001345990.2); c.-1677A>C (NM_001345991.2); c.-1402A>C (NM_001345994.2); and 2 more; short protein forms E16A.
Identifiers: ClinVar variation 2147953 (VCV002147953.2), dbSNP rs781863201, ClinGen allele CA2792876.

ClinVar aggregate classification (germline): Uncertain significance. Review status: criteria provided, multiple submitters, no conflicts (2 of 4 stars). 2 submissions from 2 submitters: Uncertain significance (2). Last evaluated 2025-04-30.

Conditions:
Intellectual disability, autosomal recessive 53 (NEDHSCA). Also called: NEURODEVELOPMENTAL DISORDER WITH OR WITHOUT HYPOTONIA, SEIZURES, AND CEREBELLAR ATROPHY; GLYCOSYLPHOSPHATIDYLINOSITOL BIOSYNTHESIS DEFECT 13; Mental retardation, autosomal recessive 53. Identifiers: Orphanet 488635, MedGen C4310794, MONDO:0014832, OMIM 616917.

Allele frequency attached by ClinVar (database versions not stated): gnomAD exomes 0.00001; TOPMed 0.00001; ExAC 0.00002.
gnomAD v4.1: 3 of 1,610,194 alleles (0.00019%); highest among the groups gnomAD compares: Admixed American, 0.005%; no homozygotes.

Submissions (2):

GeneDx
Classification: Uncertain significance. Last evaluated: 2025-04-30. Review status: criteria provided, single submitter. Criteria: GeneDx Variant Classification Process June 2021. Collection method: clinical testing. Allele origin: germline. Affected: yes.
Comment: Not observed at significant frequency in large population cohorts (gnomAD); In silico analysis indicates that this missense variant does not alter protein structure/function; Has not been previously published as pathogenic or benign to our knowledge

Labcorp Genetics (formerly Invitae), Labcorp
Classification: Uncertain significance for Intellectual disability, autosomal recessive 53. Last evaluated: 2022-07-18. Review status: criteria provided, single submitter. Criteria: Invitae Variant Classification Sherloc (09022015). Collection method: clinical testing. Allele origin: germline.
Comment: This sequence change replaces glutamic acid, which is acidic and polar, with alanine, which is neutral and non-polar, at codon 16 of the PIGG protein (p.Glu16Ala). This variant is present in population databases (rs781863201, gnomAD 0.006%). This variant has not been reported in the literature in individuals affected with PIGG-related conditions. Algorithms developed to predict the effect of missense changes on protein structure and function are either unavailable or do not agree on the potential impact of this missense change (SIFT: "Tolerated"; PolyPhen-2: "Possibly Damaging"; Align-GVGD: "Class C0"). In summary, the available evidence is currently insufficient to determine the role of this variant in disease. Therefore, it has been classified as a Variant of Uncertain Significance.